The following is an entry in ClinVar:

ClinVar aggregate classification (germline): Pathogenic (1 of 4 stars; one submission).

Conditions:
Mucolipidosis type IV (ML4). Also called: ML IV. Identifiers: Orphanet 578, MedGen C0238286, MONDO:0009653, OMIM 252650.

Submission:

Myriad Genetics, Inc.
Classification: Pathogenic for Mucolipidosis type IV. Last evaluated: 2025-01-13. Review status: criteria provided, single submitter. Criteria: Myriad Autosomal Dominant, Autosomal Recessive and X-Linked Classification Criteria (2023). Collection method: clinical testing. Allele origin: unknown.
Comment: NM_020533.2(MCOLN1):c.676delC(H226Tfs*12) is expected to be pathogenic in the context of mucolipidosis IV. This variant is predicted to lead to an abnormal or absent protein product due to the creation of a premature termination codon in MCOLN1, a gene where loss-of-function variants are known to be pathogenic. Please note: this variant was assessed in the context of healthy population screening.

NM_020533.3(MCOLN1):c.676del (p.His226fs)

Gene: MCOLN1 (mucolipin TRP cation channel 1; plus strand). Cytogenetic location: 19p13.2.
Variant type: Deletion.
Coding change: c.676del on transcript NM_020533.3 (MANE Select); coding-DNA position 676, one base deleted (C; older notation c.676delC).
Protein change: p.His226fs; shifts the reading frame from histidine 226.
Molecular consequence: frameshift variant.
Genome position (GRCh38, 1-based): chr19:7,527,624, C deleted; the last of 2 consecutive C bases (chr19:7,527,623-7,527,624); deleting either gives the same sequence. VCF-style (leftmost placement, unchanged base first): chr19-7527622-TC-T. GRCh37 (hg19) VCF-style: chr19-7592508-TC-T.
Other names: short protein forms H226fs.
Identifiers: ClinVar variation 5013957 (VCV005013957.1).
Genomic context (GRCh38, chr19:7,527,622, plus strand): 5'-CCAGCGACGATCTCACCCTCTTGGAAAGCAGCTCCAGTTACAAGAACCTCACGCTCAAAT[TC>T]CACAAGTACTGCCTGCTCACTCGAGGGGGGCCCAGGGTGGGGGAGGCAGCACACTAGGCA-3'